The following is an entry in ClinVar:

ClinVar aggregate classification (germline): Pathogenic. Review status: criteria provided, multiple submitters, no conflicts (2 of 4 stars). 2 submissions from 2 submitters: Pathogenic (2). Last evaluated 2022-09-18.

Conditions:
X-linked Alport syndrome (ATS1). Also called: COL4A5-Related Nephropathy; NEPHROPATHY AND DEAFNESS, X-LINKED. Identifiers: Orphanet 63, Orphanet 88917, MedGen C4746986, MONDO:0010520, OMIM 301050.

Submissions (2):

Labcorp Genetics (formerly Invitae), Labcorp
Classification: Pathogenic. Last evaluated: 2022-09-18. Review status: criteria provided, single submitter. Criteria: Invitae Variant Classification Sherloc (09022015). Collection method: clinical testing. Allele origin: germline.
Comment: For these reasons, this variant has been classified as Pathogenic. This variant is also known as Glu254-->frameshift. This premature translational stop signal has been observed in individual(s) with clinical features of Alport syndrome (PMID: 8738805, 33040356). This variant is not present in population databases (gnomAD no frequency). This sequence change creates a premature translational stop signal (p.Glu254Valfs*11) in the COL4A5 gene. It is expected to result in an absent or disrupted protein product. Loss-of-function variants in COL4A5 are known to be pathogenic (PMID: 9195222, 10752524, 14514738, 24854265, 26809805).

Institute of Human Genetics Munich, TUM University Hospital
Classification: Pathogenic for X-linked Alport syndrome. Last evaluated: 2018-12-20. Review status: criteria provided, single submitter. Criteria: Classification criteria August 2017. Collection method: clinical testing. Allele origin: germline. Inheritance: X-linked inheritance. Affected: yes. Observed: 1 heterozygote.

Literature cited by the submitters: PubMed 8738805 (cited by Labcorp Genetics (formerly Invitae), Labcorp); PubMed 33040356 (cited by Labcorp Genetics (formerly Invitae), Labcorp); PubMed 9195222 (cited by Labcorp Genetics (formerly Invitae), Labcorp); PubMed 10752524 (cited by Labcorp Genetics (formerly Invitae), Labcorp); PubMed 14514738 (cited by Labcorp Genetics (formerly Invitae), Labcorp); PubMed 24854265 (cited by Labcorp Genetics (formerly Invitae), Labcorp); PubMed 26809805 (cited by Labcorp Genetics (formerly Invitae), Labcorp).

NM_033380.3(COL4A5):c.761_762del (p.Glu254fs)

Gene: COL4A5 (collagen type IV alpha 5 chain; plus strand). Cytogenetic location: Xq22.3.
Variant type: Microsatellite.
Coding change: c.761_762del on transcript NM_033380.3 (MANE Select); coding-DNA positions 761 to 762, 2 bases deleted (AG; older notation c.761_762delAG).
Protein change: p.Glu254fs; shifts the reading frame from glutamic acid 254.
Molecular consequence: frameshift variant.
Genome position (GRCh38, 1-based): chrX:108,578,364-108,578,365, AG deleted; deleting any 2 consecutive bases within chrX:108,578,362-108,578,365 gives the same sequence; the c. name uses the placement nearest the transcript's 3' end. VCF-style (leftmost placement, unchanged base first): chrX-108578361-TAG-T. GRCh37 (hg19) VCF-style: chrX-107821591-TAG-T.
Other names: c.761_762del, p.Glu254fs (NM_000495.5); short protein forms E254fs.
Identifiers: ClinVar variation 587259 (VCV000587259.10), dbSNP rs104886443, ClinGen allele CA258320.
Genomic context (GRCh38, chrX:108,578,361, plus strand): 5'-GTCTTCAGGGCCCACCTGGGCCACCTGGGCAGATCAGTGAACAGAAAAGACCAATTGATG[TAG>T]AGTTTCAGAAAGGAGATCAGGTGAGTAAGTAGGGAGGAAGTCAATGAAAATCTTGCTATG-3'